The following is an entry in ClinVar:

ClinVar aggregate classification (germline): Uncertain significance (1 of 4 stars; one submission).

Conditions:
Perlman syndrome (PRLMNS). Identifiers: Orphanet 2849, MedGen C0796113, MONDO:0009965, OMIM 267000.

Submission:

Labcorp Genetics (formerly Invitae), Labcorp
Classification: Uncertain significance for Perlman syndrome. Last evaluated: 2025-10-01. Review status: criteria provided, single submitter. Criteria: Invitae Variant Classification Sherloc (09022015). Collection method: clinical testing. Allele origin: germline.
Comment: This sequence change replaces glutamic acid, which is acidic and polar, with serine, which is neutral and polar, at codon 874 of the DIS3L2 protein (p.Glu874Ser). Information on the frequency of this variant in the gnomAD database is not available, as this variant may be reported differently in the database. This variant has not been reported in the literature in individuals affected with DIS3L2-related conditions. Experimental studies and prediction algorithms are not available or were not evaluated, and the functional significance of this variant is currently unknown. In summary, the available evidence is currently insufficient to determine the role of this variant in disease. Therefore, it has been classified as a Variant of Uncertain Significance.

NM_152383.5(DIS3L2):c.2620_2621inv (p.Glu874Ser)

Gene: DIS3L2 (DIS3 like 3'-5' exoribonuclease 2; plus strand). Cytogenetic location: 2q37.1.
Variant type: Inversion.
Coding change: c.2620_2621inv on transcript NM_152383.5 (MANE Select).
Protein change: p.Glu874Ser; replaces glutamic acid 874 with serine.
Molecular consequence: missense variant. On other transcripts: non-coding transcript variant (2), intron variant (1).
Genome position: GRCh38 VCF-style: chr2-232336592-GA-TC. GRCh37 (hg19) VCF-style: chr2-233201302-GA-TC.
Other names: c.1582-6753_1582-6752inv (NM_001257281.2); short protein forms E874S.
Identifiers: ClinVar variation 463112 (VCV000463112.4), ClinGen allele CA658657256.